The following is an entry in ClinVar:

NM_058246.4(DNAJB6):c.583A>G (p.Thr195Ala)

Gene: DNAJB6 (DnaJ heat shock protein family (Hsp40) member B6; plus strand). Cytogenetic location: 7q36.3.
Variant type: single nucleotide variant.
Coding change: c.583A>G on transcript NM_058246.4 (MANE Select); coding-DNA position 583, A replaced by G.
Protein change: p.Thr195Ala; replaces threonine 195 with alanine.
Molecular consequence: missense variant. On other transcripts: intron variant (1).
Genome position (GRCh38, 1-based): chr7:157,384,971, A>G. VCF-style: chr7-157384971-A-G. GRCh37 (hg19) VCF-style: chr7-157177665-A-G.
Other names: c.583A>G (NM_058246.3); c.583A>G, p.Thr195Ala (NM_005494.3); c.346+17488A>G (NM_001363676.1); short protein forms T195A.
Identifiers: ClinVar variation 1414981 (VCV001414981.9), dbSNP rs1185615542, ClinGen allele CA370166797.

ClinVar aggregate classification (germline): Uncertain significance. Review status: criteria provided, multiple submitters, no conflicts (2 of 4 stars). 2 submissions from 2 submitters: Uncertain significance (2). Last evaluated 2024-11-13.

Conditions:
Inborn genetic diseases. Identifiers: MedGen C0950123, MeSH D030342.
Autosomal dominant limb-girdle muscular dystrophy type 1D (DNAJB6) (LGMDD1). Also called: MUSCULAR DYSTROPHY, LIMB-GIRDLE, TYPE 1D; Autosomal dominant limb-girdle muscular dystrophy type 1D; Muscular dystrophy, limb-girdle, autosomal dominant 1; MUSCULAR DYSTROPHY, AUTOSOMAL DOMINANT, WITH RIMMED VACUOLES. Identifiers: Orphanet 34516, MedGen C4721885, MONDO:0021018, OMIM 603511.

Allele frequency attached by ClinVar (database versions not stated): gnomAD exomes below 0.00001 and 0.00001.
gnomAD v4.1: 5 of 1,614,136 alleles (0.00031%); highest among the groups gnomAD compares: Admixed American, 0.005%; no homozygotes.

Submissions (2):

Ambry Genetics
Classification: Uncertain significance for Inborn genetic diseases. Last evaluated: 2024-11-13. Review status: criteria provided, single submitter. Criteria: Ambry Variant Classification Scheme 2023. Collection method: clinical testing. Allele origin: germline.

Labcorp Genetics (formerly Invitae), Labcorp
Classification: Uncertain significance for Autosomal dominant limb-girdle muscular dystrophy type 1D (DNAJB6). Last evaluated: 2021-07-09. Review status: criteria provided, single submitter. Criteria: Invitae Variant Classification Sherloc (09022015). Collection method: clinical testing. Allele origin: germline.
Comment: Algorithms developed to predict the effect of missense changes on protein structure and function are either unavailable or do not agree on the potential impact of this missense change (SIFT: "Deleterious"; PolyPhen-2: "Not Available"; Align-GVGD: "Class C0"). This sequence change replaces threonine with alanine at codon 195 of the DNAJB6 protein (p.Thr195Ala). The threonine residue is highly conserved and there is a small physicochemical difference between threonine and alanine. This variant is not present in population databases (ExAC no frequency). This variant has not been reported in the literature in individuals affected with DNAJB6-related conditions. In summary, the available evidence is currently insufficient to determine the role of this variant in disease. Therefore, it has been classified as a Variant of Uncertain Significance. Algorithms developed to predict the effect of sequence changes on RNA splicing suggest that this variant may create or strengthen a splice site.